The following is an entry in ClinVar:

NM_006231.4(POLE):c.3583-164T>C

Gene: POLE (DNA polymerase epsilon, catalytic subunit; minus strand). Cytogenetic location: 12q24.33.
Variant type: single nucleotide variant.
Coding change: c.3583-164T>C on transcript NM_006231.4 (MANE Select); 164 bases into the intron before coding-DNA position 3583, T replaced by C.
Molecular consequence: intron variant.
Genome position (GRCh38, 1-based): chr12:132,650,053, A>G on the plus strand (T>C on the coding strand, the complement: POLE is on the minus strand). VCF-style: chr12-132650053-A-G. GRCh37 (hg19) VCF-style: chr12-133226639-A-G.
Identifiers: ClinVar variation 679748 (VCV000679748.1), dbSNP rs5744898, ClinGen allele CA246310850.

ClinVar aggregate classification (germline): Benign (1 of 4 stars; one submission).

Allele frequency attached by ClinVar (database versions not stated): 1000 Genomes Project 0.06530; 1000 Genomes Project 30x 0.06855; gnomAD 0.07136 and 0.07420; TOPMed 0.08012.
gnomAD v4.1: 10,817 of 152,072 alleles (7.1%); highest among the groups gnomAD compares: Admixed American, 14%; 545 homozygotes.

Submission:

GeneDx
Classification: Benign. Last evaluated: 2018-06-14. Review status: criteria provided, single submitter. Criteria: GeneDx Variant Classification (06012015). Collection method: clinical testing. Allele origin: germline. Affected: yes.
Comment: This variant is considered likely benign or benign based on one or more of the following criteria: it is a conservative change, it occurs at a poorly conserved position in the protein, it is predicted to be benign by multiple in silico algorithms, and/or has population frequency not consistent with disease.